The following is an entry in ClinVar:

NM_177438.3(DICER1):c.3761G>A (p.Gly1254Glu)

Gene: DICER1 (dicer 1, ribonuclease III; minus strand). Cytogenetic location: 14q32.13.
Variant type: single nucleotide variant.
Coding change: c.3761G>A on transcript NM_177438.3 (MANE Select); coding-DNA position 3761, G replaced by A.
Protein change: p.Gly1254Glu; replaces glycine 1254 with glutamic acid.
Molecular consequence: missense variant.
Genome position (GRCh38, 1-based): chr14:95,103,635, C>T on the plus strand (G>A on the coding strand, the complement: DICER1 is on the minus strand). VCF-style: chr14-95103635-C-T. GRCh37 (hg19) VCF-style: chr14-95569972-C-T.
Other names: c.3761G>A (NM_177438.2); c.3761G>A, p.Gly1254Glu (NM_001195573.1, NM_001271282.3, NM_001291628.2 and 1 more transcripts); short protein forms G1254E.
Identifiers: ClinVar variation 1479960 (VCV001479960.8), dbSNP rs1440770707, ClinGen allele CA390873607.
Genomic context (GRCh38, chr14:95,103,635, plus strand): 5'-CTGCCCTTGAGCACTTGAATAGTGTCTGTCGTACCAGGCATTACGGCCATCACAGGACTT[C>T]CATCTGAGGTAGATTTGTTAGCATTTCCATCAAGGTATTTATTACTCAGGAGAGTACATT-3'
Protein context (NP_803187.1, residues 1244-1264): DGNANKSTSD[Gly1254Glu]SPVMAVMPGT

ClinVar aggregate classification (germline): Uncertain significance. Review status: criteria provided, multiple submitters, no conflicts (2 of 4 stars). 2 submissions from 2 submitters: Uncertain significance (2). Last evaluated 2025-08-21.

Conditions:
Hereditary cancer-predisposing syndrome. Also called: Hereditary neoplastic syndrome; Tumor predisposition; Neoplastic Syndromes, Hereditary; Hereditary Cancer Syndrome. Identifiers: Orphanet 140162, MedGen C0027672, MeSH D009386, MONDO:0015356.
DICER1-related tumor predisposition. Also called: DICER1-related pleuropulmonary blastoma cancer predisposition syndrome; DICER1 syndrome. Identifiers: Orphanet 284343, MedGen C3839822, MONDO:0100216.

Allele frequency attached by ClinVar (database versions not stated): gnomAD exomes below 0.00001.
gnomAD v4.1: 1 of 1,614,166 alleles (0.000062%); highest among the groups gnomAD compares: South Asian, 0.0011%; no homozygotes.

Submissions (2):

Ambry Genetics
Classification: Uncertain significance for Hereditary cancer-predisposing syndrome. Last evaluated: 2025-08-21. Review status: criteria provided, single submitter. Criteria: Ambry Variant Classification Scheme 2023. Collection method: clinical testing. Allele origin: germline.
Comment: The p.G1254E variant (also known as c.3761G>A), located in coding exon 20 of the DICER1 gene, results from a G to A substitution at nucleotide position 3761. The glycine at codon 1254 is replaced by glutamic acid, an amino acid with similar properties. This amino acid position is conserved. In addition, this alteration is predicted to be tolerated by in silico analysis. Based on the available evidence, the clinical significance of this variant remains unclear.

Labcorp Genetics (formerly Invitae), Labcorp
Classification: Uncertain significance for DICER1-related tumor predisposition. Last evaluated: 2025-06-16. Review status: criteria provided, single submitter. Criteria: Invitae Variant Classification Sherloc (09022015). Collection method: clinical testing. Allele origin: germline.
Comment: This sequence change replaces glycine, which is neutral and non-polar, with glutamic acid, which is acidic and polar, at codon 1254 of the DICER1 protein (p.Gly1254Glu). This variant is present in population databases (no rsID available, gnomAD 0.003%). This variant has not been reported in the literature in individuals affected with DICER1-related conditions. ClinVar contains an entry for this variant (Variation ID: 1479960). Invitae Evidence Modeling of protein sequence and biophysical properties (such as structural, functional, and spatial information, amino acid conservation, physicochemical variation, residue mobility, and thermodynamic stability) indicates that this missense variant is not expected to disrupt DICER1 protein function with a negative predictive value of 95%. In summary, the available evidence is currently insufficient to determine the role of this variant in disease. Therefore, it has been classified as a Variant of Uncertain Significance.